The following is an entry in ClinVar:

NM_032229.3(SLITRK6):c.269C>T (p.Ala90Val)

Gene: SLITRK6 (SLIT and NTRK like family member 6; minus strand). Cytogenetic location: 13q31.1.
Variant type: single nucleotide variant.
Coding change: c.269C>T on transcript NM_032229.3 (MANE Select); coding-DNA position 269, C replaced by T.
Protein change: p.Ala90Val; replaces alanine 90 with valine.
Molecular consequence: missense variant.
Genome position (GRCh38, 1-based): chr13:85,796,240, G>A on the plus strand (C>T on the coding strand, the complement: SLITRK6 is on the minus strand). VCF-style: chr13-85796240-G-A. GRCh37 (hg19) VCF-style: chr13-86370375-G-A.
Other names: short protein forms A90V.
Identifiers: ClinVar variation 4984760 (VCV004984760.1).
Genomic context (GRCh38, chr13:85,796,240, plus strand): 5'-CCATTAAATGCACCTATCTCAATATCTGCAATATTGTTAAATCCAAGGTGTATTGAAATA[G>A]CATTGGTAAGCCCAGAAAAGTCATTTGTGTGAAGCATCGTCAAGCCGTTATTTAATAAGC-3'
Protein context (NP_115605.2, residues 80-100): HTNDFSGLTN[Ala90Val]ISIHLGFNNI

ClinVar aggregate classification (germline): Uncertain significance (1 of 4 stars; one submission).

Conditions:
SLITRK6-related disorder. Also called: SLITRK6-related condition.

Submission:

PreventionGenetics, part of Exact Sciences
Classification: Uncertain significance for SLITRK6-related condition. Last evaluated: 2025-12-29. Review status: criteria provided, single submitter. Criteria: ACMG Guidelines, 2015. Collection method: clinical testing. Allele origin: germline.
Comment: The SLITRK6 c.269C>T variant is predicted to result in the amino acid substitution p.Ala90Val. To our knowledge, this variant has not been reported in the literature. This variant is reported in 0.0029% of alleles in individuals of Latino descent in gnomAD. At this time, the clinical significance of this variant is uncertain due to the absence of conclusive functional and genetic evidence.